The following is an entry in ClinVar:

NM_022098.4(XPNPEP3):c.*6055A>C

Gene: XPNPEP3 (X-prolyl aminopeptidase 3; plus strand). Cytogenetic location: 22q13.2.
Variant type: single nucleotide variant.
Coding change: c.*6055A>C on transcript NM_022098.4 (MANE Select); 6055 bases downstream of the stop codon, A replaced by C.
Molecular consequence: 3 prime UTR variant.
Genome position (GRCh38, 1-based): chr22:40,932,490, A>C. VCF-style: chr22-40932490-A-C. GRCh37 (hg19) VCF-style: chr22-41328494-A-C.
Identifiers: ClinVar variation 901910 (VCV000901910.4), dbSNP rs73412774, ClinGen allele CA324456083.

ClinVar aggregate classification (germline): Benign (1 of 4 stars; one submission).

Conditions:
Nephronophthisis-like nephropathy 1 (NPHPL1). Identifiers: Orphanet 655, MedGen C3150419, MONDO:0013163, OMIM 613159.

Allele frequency attached by ClinVar (database versions not stated): 1000 Genomes Project 0.00839; gnomAD 0.00888 and 0.00955; 1000 Genomes Project 30x 0.00890; TOPMed 0.00996.

Submission:

Illumina Laboratory Services, Illumina
Classification: Benign for Nephronophthisis-like nephropathy 1. Last evaluated: 2017-04-27. Review status: criteria provided, single submitter. Criteria: ICSL Variant Classification Criteria 13 December 2019. Collection method: clinical testing. Allele origin: germline.
Comment: This variant was observed as part of a predisposition screen in an ostensibly healthy population. A literature search was performed for the gene, cDNA change, and amino acid change (where applicable). No publications were found based on this search. Allele frequency data from public databases was too high to be consistent with this variant causing disease. Therefore, this variant is classified as benign.